The following is an entry in ClinVar:

NM_006796.3(AFG3L2):c.256G>A (p.Ala86Thr)

Gene: AFG3L2 (AFG3 like matrix AAA peptidase subunit 2; minus strand). Cytogenetic location: 18p11.21.
Variant type: single nucleotide variant.
Coding change: c.256G>A on transcript NM_006796.3 (MANE Select); coding-DNA position 256, G replaced by A.
Protein change: p.Ala86Thr; replaces alanine 86 with threonine.
Molecular consequence: missense variant.
Genome position (GRCh38, 1-based): chr18:12,370,885, C>T on the plus strand (G>A on the coding strand, the complement: AFG3L2 is on the minus strand). VCF-style: chr18-12370885-C-T. GRCh37 (hg19) VCF-style: chr18-12370884-C-T.
Other names: short protein forms A86T.
Identifiers: ClinVar variation 5020460 (VCV005020460.1).

ClinVar aggregate classification (germline): Uncertain significance (1 of 4 stars; one submission).

gnomAD v4.1: 4 of 1,586,938 alleles (0.00025%); highest among the groups gnomAD compares: Admixed American, 0.0017%; no homozygotes.

Submission:

Dasa
Classification: Uncertain significance. Last evaluated: 2026-05-29. Review status: criteria provided, single submitter. Criteria: DASA Assertion Criteria. Collection method: clinical testing. Allele origin: germline.
Comment: NM_006796.3(AFG3L2):c.256G>A (p.Ala86Thr) is a missense variant that results in the substitution of alanine with threonine. This variant is rare in population databases. The currently available literature and clinical evidence are not sufficient to establish a definitive association between this variant and the reported condition. Therefore, this variant is classified as a variant of uncertain significance.